The following is an entry in ClinVar:

ClinVar aggregate classification (germline): Conflicting classifications of pathogenicity. Review status: criteria provided, conflicting classifications (1 of 4 stars). 2 submissions from 2 submitters: Uncertain significance (1); Likely benign (1). Last evaluated 2023-12-31.

Conditions:
Hereditary cancer-predisposing syndrome. Also called: Neoplastic Syndromes, Hereditary; Hereditary neoplastic syndrome; Tumor predisposition; Hereditary Cancer Syndrome. Identifiers: Orphanet 140162, MedGen C0027672, MeSH D009386, MONDO:0015356.
Neuroblastoma, susceptibility to, 3. Also called: ALK-Related Neuroblastic Tumor Susceptibility. Identifiers: Orphanet 635, MedGen C2751681, MONDO:0013083, OMIM 613014.

Submissions (2):

Ambry Genetics
Classification: Likely benign for Hereditary cancer-predisposing syndrome. Last evaluated: 2023-12-31. Review status: criteria provided, single submitter. Criteria: Ambry Variant Classification Scheme 2023. Collection method: clinical testing. Allele origin: germline.

Labcorp Genetics (formerly Invitae), Labcorp
Classification: Uncertain significance for Neuroblastoma, susceptibility to, 3. Last evaluated: 2019-12-03. Review status: criteria provided, single submitter. Criteria: Invitae Variant Classification Sherloc (09022015). Collection method: clinical testing. Allele origin: germline.
Comment: In summary, the available evidence is currently insufficient to determine the role of this variant in disease. Therefore, it has been classified as a Variant of Uncertain Significance. Algorithms developed to predict the effect of missense changes on protein structure and function output the following: SIFT: "Tolerated"; PolyPhen-2: "Benign"; Align-GVGD: "Class C0". The proline amino acid residue is found in multiple mammalian species, suggesting that this missense change does not adversely affect protein function. These predictions have not been confirmed by published functional studies and their clinical significance is uncertain. This variant has not been reported in the literature in individuals with ALK-related conditions. The frequency data for this variant in the population databases is considered unreliable, as metrics indicate insufficient coverage at this position in the ExAC database. This sequence change replaces leucine with proline at codon 12 of the ALK protein (p.Leu12Pro). The leucine residue is weakly conserved and there is a moderate physicochemical difference between leucine and proline.

NM_004304.5(ALK):c.35T>C (p.Leu12Pro)

Gene: ALK (ALK receptor tyrosine kinase; minus strand). Cytogenetic location: 2p23.1.
Variant type: single nucleotide variant.
Coding change: c.35T>C on transcript NM_004304.5 (MANE Select); coding-DNA position 35, T replaced by C.
Protein change: p.Leu12Pro; replaces leucine 12 with proline.
Molecular consequence: missense variant.
Genome position (GRCh38, 1-based): chr2:29,920,625, A>G on the plus strand (T>C on the coding strand, the complement: ALK is on the minus strand). VCF-style: chr2-29920625-A-G. GRCh37 (hg19) VCF-style: chr2-30143491-A-G.
Other names: short protein forms L12P.
Identifiers: ClinVar variation 843592 (VCV000843592.10), dbSNP rs1165737526, ClinGen allele CA346590809.